The following is an entry in ClinVar:

ClinVar aggregate classification (germline): Likely benign. Review status: criteria provided, multiple submitters, no conflicts (2 of 4 stars). 5 submissions from 5 submitters: Likely benign (4). 1 of the submissions does not count toward it. Last evaluated 2026-01-01.

Conditions:
Rubinstein-Taybi syndrome due to EP300 haploinsufficiency. Also called: EP300-Related Rubinstein-Taybi Syndrome; RUBINSTEIN-TAYBI SYNDROME 2. Identifiers: Orphanet 353284, Orphanet 783, MedGen C3150941, MONDO:0013364, OMIM 613684.
EP300-related disorder. Also called: EP300-related condition; EP300-related disorders.

Allele frequency attached by ClinVar (database versions not stated): gnomAD exomes 0.00005 and 0.00006; ExAC 0.00007; ESP Exome Variant Server 0.00008; TOPMed 0.00009; 1000 Genomes Project 30x 0.00078; 1000 Genomes Project 0.00080.
gnomAD v4.1: 95 of 1,613,974 alleles (0.0059%); highest among the groups gnomAD compares: Admixed American, 0.047%; no homozygotes.

Submissions (5):

CeGaT Center for Human Genetics Tuebingen
Classification: Likely benign. Last evaluated: 2026-01-01. Review status: criteria provided, single submitter. Criteria: CeGaT Center For Human Genetics Tuebingen Variant Classification Criteria Version 2. Collection method: clinical testing. Allele origin: germline. Affected: yes. Observed: 1 variant allele.
Comment: EP300: BP4, BP7

Labcorp Genetics (formerly Invitae), Labcorp
Classification: Likely benign for Rubinstein-Taybi syndrome due to EP300 haploinsufficiency. Last evaluated: 2025-12-30. Review status: criteria provided, single submitter. Criteria: Invitae Variant Classification Sherloc (09022015). Collection method: clinical testing. Allele origin: germline.

Blueprint Genetics
Classification: Likely benign. Last evaluated: 2024-03-16. Review status: criteria provided, single submitter. Criteria: ACMG Guidelines, 2015. Collection method: clinical testing. Allele origin: germline.

GeneDx
Classification: Likely benign. Last evaluated: 2020-07-10. Review status: criteria provided, single submitter. Criteria: GeneDx Variant Classification Process June 2021. Collection method: clinical testing. Allele origin: germline. Affected: yes.

PreventionGenetics, part of Exact Sciences
Classification: Likely benign for EP300-related condition. Last evaluated: 2021-07-01. Review status: no assertion criteria provided. Collection method: clinical testing. Allele origin: germline. Not counted in ClinVar's aggregate classification.
Comment: This variant is classified as likely benign based on ACMG/AMP sequence variant interpretation guidelines (Richards et al. 2015 PMID: 25741868, with internal and published modifications).

NM_001429.4(EP300):c.5568G>A (p.Thr1856=)

Gene: EP300 (EP300 lysine acetyltransferase; plus strand). Cytogenetic location: 22q13.2.
Variant type: single nucleotide variant.
Coding change: c.5568G>A on transcript NM_001429.4 (MANE Select); coding-DNA position 5568, G replaced by A.
Protein change: p.Thr1856=; no amino-acid change (threonine 1856 retained).
Molecular consequence: synonymous variant.
Genome position (GRCh38, 1-based): chr22:41,177,279, G>A. VCF-style: chr22-41177279-G-A. GRCh37 (hg19) VCF-style: chr22-41573283-G-A.
Other names: c.5490G>A, p.Thr1830= (NM_001362843.2).
Identifiers: ClinVar variation 1209399 (VCV001209399.19), dbSNP rs202043101, ClinGen allele CA10253658.